The following is an entry in ClinVar:

ClinVar aggregate classification (germline): Uncertain significance. Review status: criteria provided, multiple submitters, no conflicts (2 of 4 stars). 3 submissions from 3 submitters: Uncertain significance (3). Last evaluated 2024-11-09.

Conditions:
Xanthinuria type II. Also called: Xanthine dehydrogenase and aldehyde oxidase combined deficiency of; XDH and AOX dual deficiency. Identifiers: Orphanet 3467, Orphanet 93602, MedGen C1863688, MONDO:0011346, OMIM 603592.
XDH-related disorder. Also called: XDH-related condition.
Hereditary xanthinuria type 1 (XAN1). Identifiers: Orphanet 3467, Orphanet 93601, MedGen C0268118, MONDO:0010209, OMIM 278300.

Allele frequency attached by ClinVar (database versions not stated): ExAC 0.00001; gnomAD exomes 0.00002 and 0.00003; gnomAD 0.00003 and 0.00004; TOPMed 0.00003.

Submissions (3):

PreventionGenetics, part of Exact Sciences
Classification: Uncertain significance for XDH-related condition. Last evaluated: 2024-11-09. Review status: criteria provided, single submitter. Criteria: ACMG Guidelines, 2015. Collection method: clinical testing. Allele origin: germline.
Comment: The XDH c.361G>A variant is predicted to result in the amino acid substitution p.Val121Ile. To our knowledge, this variant has not been reported in the literature. This variant is reported in 0.0087% of alleles in individuals of Latino descent in gnomAD. At this time, the clinical significance of this variant is uncertain due to the absence of conclusive functional and genetic evidence.

Fulgent Genetics
Classification: Uncertain significance for Hereditary xanthinuria type 1. Last evaluated: 2024-01-08. Review status: criteria provided, single submitter. Criteria: ACMG Guidelines, 2015. Collection method: clinical testing. Allele origin: germline.

Labcorp Genetics (formerly Invitae), Labcorp
Classification: Uncertain significance for Xanthinuria type II. Last evaluated: 2022-08-09. Review status: criteria provided, single submitter. Criteria: Invitae Variant Classification Sherloc (09022015). Collection method: clinical testing. Allele origin: germline.
Comment: This sequence change replaces valine, which is neutral and non-polar, with isoleucine, which is neutral and non-polar, at codon 121 of the XDH protein (p.Val121Ile). This variant is present in population databases (rs751332444, gnomAD 0.009%). This variant has not been reported in the literature in individuals affected with XDH-related conditions. ClinVar contains an entry for this variant (Variation ID: 576475). Algorithms developed to predict the effect of missense changes on protein structure and function (SIFT, PolyPhen-2, Align-GVGD) all suggest that this variant is likely to be disruptive. In summary, the available evidence is currently insufficient to determine the role of this variant in disease. Therefore, it has been classified as a Variant of Uncertain Significance.

NM_000379.4(XDH):c.361G>A (p.Val121Ile)

Gene: XDH (xanthine dehydrogenase; minus strand). Cytogenetic location: 2p23.1.
Variant type: single nucleotide variant.
Coding change: c.361G>A on transcript NM_000379.4 (MANE Select); coding-DNA position 361, G replaced by A.
Protein change: p.Val121Ile; replaces valine 121 with isoleucine.
Molecular consequence: missense variant.
Genome position (GRCh38, 1-based): chr2:31,398,645, C>T on the plus strand (G>A on the coding strand, the complement: XDH is on the minus strand). VCF-style: chr2-31398645-C-T. GRCh37 (hg19) VCF-style: chr2-31621511-C-T.
Other names: short protein forms V121I.
Identifiers: ClinVar variation 576475 (VCV000576475.10), dbSNP rs751332444, ClinGen allele CA1599666.